The following is an entry in ClinVar:

ClinVar aggregate classification (germline): Uncertain significance (1 of 4 stars; one submission).

Conditions:
Bardet-Biedl syndrome 16 (BBS16). Identifiers: Orphanet 110, MedGen C3889474, MONDO:0014444, OMIM 615993.
Senior-Loken syndrome 7 (SLSN7). Identifiers: Orphanet 3156, MedGen C3150877, MONDO:0013326, OMIM 613615.

Allele frequency attached by ClinVar (database versions not stated): TOPMed below 0.00001.

Submission:

Labcorp Genetics (formerly Invitae), Labcorp
Classification: Uncertain significance for Bardet-Biedl syndrome 16; Senior-Loken syndrome 7. Last evaluated: 2024-02-17. Review status: criteria provided, single submitter. Criteria: Invitae Variant Classification Sherloc (09022015). Collection method: clinical testing. Allele origin: germline.
Comment: This sequence change replaces serine, which is neutral and polar, with phenylalanine, which is neutral and non-polar, at codon 207 of the SDCCAG8 protein (p.Ser207Phe). This variant is not present in population databases (gnomAD no frequency). This variant has not been reported in the literature in individuals affected with SDCCAG8-related conditions. ClinVar contains an entry for this variant (Variation ID: 837091). Advanced modeling of protein sequence and biophysical properties (such as structural, functional, and spatial information, amino acid conservation, physicochemical variation, residue mobility, and thermodynamic stability) performed at Invitae indicates that this missense variant is not expected to disrupt SDCCAG8 protein function with a negative predictive value of 80%. In summary, the available evidence is currently insufficient to determine the role of this variant in disease. Therefore, it has been classified as a Variant of Uncertain Significance.

NM_006642.5(SDCCAG8):c.620C>T (p.Ser207Phe)

Gene: SDCCAG8 (SHH signaling and ciliogenesis regulator SDCCAG8; plus strand). Cytogenetic location: 1q43.
Variant type: single nucleotide variant.
Coding change: c.620C>T on transcript NM_006642.5 (MANE Select); coding-DNA position 620, C replaced by T.
Protein change: p.Ser207Phe; replaces serine 207 with phenylalanine.
Molecular consequence: missense variant. On other transcripts: 5 prime UTR variant (3).
Genome position (GRCh38, 1-based): chr1:243,293,164, C>T. VCF-style: chr1-243293164-C-T. GRCh37 (hg19) VCF-style: chr1-243456466-C-T.
Other names: c.-493C>T (NM_001350246.2); c.-381C>T (NM_001350247.2); c.620C>T, p.Ser207Phe (NM_001350248.2); c.326C>T, p.Ser109Phe (NM_001350249.2); c.-754C>T (NM_001350251.2); short protein forms S207F, S109F.
Identifiers: ClinVar variation 837091 (VCV000837091.10), dbSNP rs1182767716, ClinGen allele CA345478322.